The following is an entry in ClinVar:

NM_000704.3(ATP4A):c.849_850delinsTT (p.Ser283_Leu284=)

Gene: ATP4A (ATPase H+/K+ transporting subunit alpha; minus strand). Cytogenetic location: 19q13.12.
Variant type: Indel.
Coding change: c.849_850delinsTT on transcript NM_000704.3 (MANE Select); coding-DNA positions 849 to 850, GC replaced by TT.
Protein change: p.Ser283_Leu284=.
Molecular consequence: synonymous variant.
Genome position (GRCh38, 1-based): chr19:35,560,011-35,560,012, GC replaced by AA on the plus strand (GC replaced by TT on the coding strand, the reverse complement: ATP4A is on the minus strand). VCF-style: chr19-35560011-GC-AA. GRCh37 (hg19) VCF-style: chr19-36050913-GC-AA.
Identifiers: ClinVar variation 4691667 (VCV004691667.1).
Genomic context (GRCh38, chr19:35,560,011, plus strand): 5'-CCACAAAATGCTCGATCTCGATAGCGATGGGTGTCTTCTCGTTTTCCACCCCCGACGCCA[GC>AA]GATGCGATGCGCCCAATGATGGTGCGGTCGCCCGTGTTCACCACCAGGCCCTGCACGGTG-3'

ClinVar aggregate classification (germline): Uncertain significance (1 of 4 stars; one submission).

Submission:

Labcorp Genetics (formerly Invitae), Labcorp
Classification: Uncertain significance. Last evaluated: 2025-06-19. Review status: criteria provided, single submitter. Criteria: Invitae Variant Classification Sherloc (09022015). Collection method: clinical testing. Allele origin: germline.
Comment: This sequence change affects codon 283 of the ATP4A mRNA. It is a 'silent' change, meaning that it does not change the encoded amino acid sequence of the ATP4A protein. Information on the frequency of this variant in the gnomAD database is not available, as this variant may be reported differently in the database. This variant has not been reported in the literature in individuals affected with ATP4A-related conditions. Experimental studies and prediction algorithms are not available or were not evaluated, and the functional significance of this variant is currently unknown. In summary, the available evidence is currently insufficient to determine the role of this variant in disease. Therefore, it has been classified as a Variant of Uncertain Significance.